The following is an entry in ClinVar:

NM_144631.6(ZNF513):c.1555G>A (p.Val519Ile)

Gene: ZNF513 (zinc finger protein 513; minus strand). Cytogenetic location: 2p23.3.
Variant type: single nucleotide variant.
Coding change: c.1555G>A on transcript NM_144631.6 (MANE Select); coding-DNA position 1555, G replaced by A.
Protein change: p.Val519Ile; replaces valine 519 with isoleucine.
Molecular consequence: missense variant.
Genome position (GRCh38, 1-based): chr2:27,377,616, C>T on the plus strand (G>A on the coding strand, the complement: ZNF513 is on the minus strand). VCF-style: chr2-27377616-C-T. GRCh37 (hg19) VCF-style: chr2-27600483-C-T.
Other names: c.1369G>A, p.Val457Ile (NM_001201459.2); short protein forms V519I, V457I.
Identifiers: ClinVar variation 1922128 (VCV001922128.5), dbSNP rs1683389012, ClinGen allele CA346214180.

ClinVar aggregate classification (germline): Uncertain significance (1 of 4 stars; one submission).

Allele frequency attached by ClinVar (database versions not stated): gnomAD exomes below 0.00001; TOPMed below 0.00001.

Submission:

Labcorp Genetics (formerly Invitae), Labcorp
Classification: Uncertain significance. Last evaluated: 2025-04-21. Review status: criteria provided, single submitter. Criteria: Invitae Variant Classification Sherloc (09022015). Collection method: clinical testing. Allele origin: germline.
Comment: This sequence change replaces valine, which is neutral and non-polar, with isoleucine, which is neutral and non-polar, at codon 519 of the ZNF513 protein (p.Val519Ile). This variant is not present in population databases (gnomAD no frequency). This variant has not been reported in the literature in individuals affected with ZNF513-related conditions. ClinVar contains an entry for this variant (Variation ID: 1922128). An algorithm developed to predict the effect of missense changes on protein structure and function (PolyPhen-2) suggests that this variant is likely to be tolerated. In summary, the available evidence is currently insufficient to determine the role of this variant in disease. Therefore, it has been classified as a Variant of Uncertain Significance.